The following is an entry in ClinVar:

ClinVar aggregate classification (germline): Uncertain significance (1 of 4 stars; one submission).

Conditions:
Peroxisome biogenesis disorder 12A (Zellweger). Also called: Peroxisome biogenesis disorder 12A. Identifiers: Orphanet 912, MedGen C3554002, MONDO:0013951, OMIM 614886.

Submission:

Labcorp Genetics (formerly Invitae), Labcorp
Classification: Uncertain significance for Peroxisome biogenesis disorder 12A (Zellweger). Last evaluated: 2024-07-22. Review status: criteria provided, single submitter. Criteria: Invitae Variant Classification Sherloc (09022015). Collection method: clinical testing. Allele origin: germline.
Comment: This sequence change replaces glycine, which is neutral and non-polar, with arginine, which is basic and polar, at codon 167 of the PEX19 protein (p.Gly167Arg). This variant is not present in population databases (gnomAD no frequency). This variant has not been reported in the literature in individuals affected with PEX19-related conditions. ClinVar contains an entry for this variant (Variation ID: 2049399). Advanced modeling of protein sequence and biophysical properties (such as structural, functional, and spatial information, amino acid conservation, physicochemical variation, residue mobility, and thermodynamic stability) performed at Invitae indicates that this missense variant is expected to disrupt PEX19 protein function with a positive predictive value of 80%. In summary, the available evidence is currently insufficient to determine the role of this variant in disease. Therefore, it has been classified as a Variant of Uncertain Significance.

NM_002857.4(PEX19):c.499G>A (p.Gly167Arg)

Gene: PEX19 (peroxisomal biogenesis factor 19; minus strand). Cytogenetic location: 1q23.2.
Variant type: single nucleotide variant.
Coding change: c.499G>A on transcript NM_002857.4 (MANE Select); coding-DNA position 499, G replaced by A.
Protein change: p.Gly167Arg; replaces glycine 167 with arginine.
Molecular consequence: missense variant. On other transcripts: non-coding transcript variant (2).
Genome position (GRCh38, 1-based): chr1:160,282,134, C>T on the plus strand (G>A on the coding strand, the complement: PEX19 is on the minus strand). VCF-style: chr1-160282134-C-T. GRCh37 (hg19) VCF-style: chr1-160251924-C-T.
Other names: c.499G>A, p.Gly167Arg (NM_001193644.1); short protein forms G167R.
Identifiers: ClinVar variation 2049399 (VCV002049399.4), dbSNP rs2525311341, ClinGen allele CA343260331.